The following is an entry in ClinVar:

ClinVar aggregate classification (germline): Uncertain significance (1 of 4 stars; one submission).

Conditions:
Sulfite oxidase deficiency due to molybdenum cofactor deficiency type A. Also called: Molybdenum cofactor deficiency, complementation group A; Molybdenum Cofactor Deficiency A. Identifiers: Orphanet 308386, Orphanet 833, MedGen C1854988, MONDO:0009643, OMIM 252150.

Submission:

Labcorp Genetics (formerly Invitae), Labcorp
Classification: Uncertain significance for Sulfite oxidase deficiency due to molybdenum cofactor deficiency type A. Last evaluated: 2022-08-10. Review status: criteria provided, single submitter. Criteria: Invitae Variant Classification Sherloc (09022015). Collection method: clinical testing. Allele origin: germline.
Comment: This sequence change replaces glutamic acid, which is acidic and polar, with valine, which is neutral and non-polar, at codon 117 of the MOCS1 protein (p.Glu117Val). In summary, the available evidence is currently insufficient to determine the role of this variant in disease. Therefore, it has been classified as a Variant of Uncertain Significance. Algorithms developed to predict the effect of missense changes on protein structure and function are either unavailable or do not agree on the potential impact of this missense change (SIFT: "Not Available"; PolyPhen-2: "Possibly Damaging"; Align-GVGD: "Not Available"). This variant has not been reported in the literature in individuals affected with MOCS1-related conditions. This variant is not present in population databases (gnomAD no frequency).

NM_001358530.2(MOCS1):c.350A>T (p.Glu117Val)

Gene: MOCS1 (molybdenum cofactor synthesis 1; minus strand). Cytogenetic location: 6p21.2.
Variant type: single nucleotide variant.
Coding change: c.350A>T on transcript NM_001358530.2 (MANE Select); coding-DNA position 350, A replaced by T.
Protein change: p.Glu117Val; replaces glutamic acid 117 with valine.
Molecular consequence: missense variant. On other transcripts: non-coding transcript variant (1).
Genome position (GRCh38, 1-based): chr6:39,925,746, T>A on the plus strand (A>T on the coding strand, the complement: MOCS1 is on the minus strand). VCF-style: chr6-39925746-T-A. GRCh37 (hg19) VCF-style: chr6-39893490-T-A.
Other names: c.350A>T, p.Glu117Val (NM_001075098.4, NM_001358529.2, NM_005943.6); c.89A>T, p.Glu30Val (NM_001358531.2, NM_001358533.2, NM_001358534.2); short protein forms E30V, E117V.
Identifiers: ClinVar variation 2073228 (VCV002073228.4), dbSNP rs2482399721, ClinGen allele CA364044734.
Genomic context (GRCh38, chr6:39,925,746, plus strand): 5'-TCCACCACGTCCGGCCGGATAAGCGGCTCTCCACCTGTGAGCCGGATCTTGTCGATGCCT[T>A]CCTTCACAAAGAGCCGGGCGAGGGTCAGGATCTCCTCTGTGGTCAGCAGGTTGGCTTTGG-3'
Protein context (NP_001345459.1, residues 107-127): ILTLARLFVK[Glu117Val]GIDKIRLTGG